The following is an entry in ClinVar:

NM_021625.5(TRPV4):c.766C>T (p.Leu256Phe)

Gene: TRPV4 (transient receptor potential cation channel subfamily V member 4; minus strand). Cytogenetic location: 12q24.11.
Variant type: single nucleotide variant.
Coding change: c.766C>T on transcript NM_021625.5 (MANE Select); coding-DNA position 766, C replaced by T.
Protein change: p.Leu256Phe; replaces leucine 256 with phenylalanine.
Molecular consequence: missense variant. On other transcripts: intron variant (2).
Genome position (GRCh38, 1-based): chr12:109,800,705, G>A on the plus strand (C>T on the coding strand, the complement: TRPV4 is on the minus strand). VCF-style: chr12-109800705-G-A. GRCh37 (hg19) VCF-style: chr12-110238510-G-A.
Other names: c.664C>T, p.Leu222Phe (NM_001177431.2); c.766C>T, p.Leu256Phe (NM_147204.3); c.713-1793C>T (NM_001177433.1, NM_001177428.1); short protein forms L222F, L256F.
Identifiers: ClinVar variation 3250979 (VCV003250979.18), dbSNP rs1890724193.
Genomic context (GRCh38, chr12:109,800,705, plus strand): 5'-TGGGCTGGAAGAAGCGCCCACGGGCCTGGGCGTGGACATCAGCTCCCTGGGCCACGAGAA[G>A]TTCCACGTAGTGTTTGCAGCGACGCTCAATGGCGATGTGCAGGGCTGTCTGACCTGGGGG-3'
Protein context (NP_067638.3, residues 246-266): IERRCKHYVE[Leu256Phe]LVAQGADVHA

ClinVar aggregate classification (germline): Uncertain significance (1 of 4 stars; one submission).

Submission:

CeGaT Center for Human Genetics Tuebingen
Classification: Uncertain significance. Last evaluated: 2024-06-01. Review status: criteria provided, single submitter. Criteria: CeGaT Center For Human Genetics Tuebingen Variant Classification Criteria Version 2. Collection method: clinical testing. Allele origin: germline. Affected: yes. Observed: 1 variant allele.
Comment: TRPV4: PM2